The following is an entry in ClinVar:

ClinVar aggregate classification (germline): Uncertain significance (1 of 4 stars; one submission).

Conditions:
Developmental and epileptic encephalopathy, 23 (DEE23). Also called: Epileptic encephalopathy, early infantile, 23. Identifiers: Orphanet 411986, MedGen C4014492, MONDO:0014371, OMIM 615859.

Submission:

Labcorp Genetics (formerly Invitae), Labcorp
Classification: Uncertain significance for Developmental and epileptic encephalopathy, 23. Last evaluated: 2023-06-29. Review status: criteria provided, single submitter. Criteria: Invitae Variant Classification Sherloc (09022015). Collection method: clinical testing. Allele origin: germline.
Comment: In summary, the available evidence is currently insufficient to determine the role of this variant in disease. Therefore, it has been classified as a Variant of Uncertain Significance. Advanced modeling of protein sequence and biophysical properties (such as structural, functional, and spatial information, amino acid conservation, physicochemical variation, residue mobility, and thermodynamic stability) performed at Invitae indicates that this missense variant is not expected to disrupt DOCK7 protein function. ClinVar contains an entry for this variant (Variation ID: 2098889). This variant has not been reported in the literature in individuals affected with DOCK7-related conditions. This variant is not present in population databases (gnomAD no frequency). This sequence change replaces glutamine, which is neutral and polar, with leucine, which is neutral and non-polar, at codon 1233 of the DOCK7 protein (p.Gln1233Leu).

NM_001367561.1(DOCK7):c.3698A>T (p.Gln1233Leu)

Gene: DOCK7 (dedicator of cytokinesis 7; minus strand). Cytogenetic location: 1p31.3.
Variant type: single nucleotide variant.
Coding change: c.3698A>T on transcript NM_001367561.1 (MANE Select); coding-DNA position 3698, A replaced by T.
Protein change: p.Gln1233Leu; replaces glutamine 1233 with leucine.
Molecular consequence: missense variant.
Genome position (GRCh38, 1-based): chr1:62,529,360, T>A on the plus strand (A>T on the coding strand, the complement: DOCK7 is on the minus strand). VCF-style: chr1-62529360-T-A. GRCh37 (hg19) VCF-style: chr1-62995031-T-A.
Other names: c.3698A>T, p.Gln1233Leu (NM_001271999.2, NM_001330614.2); c.3605A>T, p.Gln1202Leu (NM_001272000.2, NM_001272001.2, NM_033407.4); short protein forms Q1233L, Q1202L.
Identifiers: ClinVar variation 2098889 (VCV002098889.4), dbSNP rs2524631962, ClinGen allele CA340600874.
Genomic context (GRCh38, chr1:62,529,360, plus strand): 5'-ACAGTTTCCATGATAATACCAATCAGAGGTAGATACAACATGGCCACTCGAGCCTTTATC[T>A]GAGGGTCAGAGTACCGCGGGTCTGAGTCGTGACTGGAGAGTAAATTGTGTACCATATTGA-3'
Protein context (NP_001354490.1, residues 1223-1243): HDSDPRYSDP[Gln1233Leu]IKARVAMLYL